The following is an entry in ClinVar:

NM_001128126.3(AP4S1):c.151del (p.Glu51fs)

Gene: AP4S1 (adaptor related protein complex 4 subunit sigma 1; plus strand). Cytogenetic location: 14q12.
Variant type: Deletion.
Coding change: c.151del on transcript NM_001128126.3 (MANE Select); coding-DNA position 151, one base deleted (G; older notation c.151delG).
Protein change: p.Glu51fs; shifts the reading frame from glutamic acid 51.
Molecular consequence: frameshift variant.
Genome position (GRCh38, 1-based): chr14:31,069,855, G deleted. VCF-style (leftmost placement, unchanged base first): chr14-31069854-TG-T. GRCh37 (hg19) VCF-style: chr14-31539060-TG-T.
Other names: c.151del, p.Glu51fs (NM_001254726.2, NM_001254727.2, NM_001254728.2 and 2 more transcripts); short protein forms E51fs.
Identifiers: ClinVar variation 3349945 (VCV003349945.1).
Genomic context (GRCh38, chr14:31,069,854, plus strand): 5'-GAACTCTCTCTCAGCCACAGGAATTAATATCTCATTGTGTTTTGTCTAGTGCTCTTTCAT[TG>T]AATATAAGGATTTTAAGCTGATATATCGGCAGTATGCAGCTCTCTTCATTGTGGTTGGAG-3'

ClinVar aggregate classification (germline): Likely pathogenic (0 of 4 stars; one submission).

Conditions:
AP4S1-related disorder.

Submission:

PreventionGenetics, part of Exact Sciences
Classification: Likely pathogenic for AP4S1-related condition. Last evaluated: 2024-03-26. Review status: no assertion criteria provided. Collection method: clinical testing. Allele origin: germline.
Comment: The AP4S1 c.151delG variant is predicted to result in a frameshift and premature protein termination (p.Glu51Asnfs*7). To our knowledge, this variant has not been reported in the literature or in a large population database, indicating this variant is rare. Frameshift variants in AP4S1 are expected to be pathogenic. This variant is interpreted as likely pathogenic.